The following is an entry in ClinVar:

ClinVar aggregate classification (germline): Likely benign. Review status: criteria provided, single submitter (1 of 4 stars). 2 submissions from 2 submitters: Likely benign (1). 1 of the submissions does not count toward it. Last evaluated 2024-11-19.

Conditions:
LEMD3-related disorder. Also called: LEMD3-related condition.

Allele frequency attached by ClinVar (database versions not stated): gnomAD exomes below 0.00001; TOPMed 0.00001.
gnomAD v4.1: 7 of 1,614,036 alleles (0.00043%); highest among the groups gnomAD compares: East Asian, 0.0022%; no homozygotes.

Submissions (2):

Labcorp Genetics (formerly Invitae), Labcorp
Classification: Likely benign. Last evaluated: 2024-11-19. Review status: criteria provided, single submitter. Criteria: Invitae Variant Classification Sherloc (09022015). Collection method: clinical testing. Allele origin: germline.

PreventionGenetics, part of Exact Sciences
Classification: Likely benign for LEMD3-related condition. Last evaluated: 2024-01-19. Review status: no assertion criteria provided. Collection method: clinical testing. Allele origin: germline. Not counted in ClinVar's aggregate classification.
Comment: This variant is classified as likely benign based on ACMG/AMP sequence variant interpretation guidelines (Richards et al. 2015 PMID: 25741868, with internal and published modifications).

NM_014319.5(LEMD3):c.2142A>G (p.Lys714=)

Gene: LEMD3 (LEM domain containing 3; plus strand). Cytogenetic location: 12q14.3.
Variant type: single nucleotide variant.
Coding change: c.2142A>G on transcript NM_014319.5 (MANE Select); coding-DNA position 2142, A replaced by G.
Protein change: p.Lys714=; no amino-acid change (lysine 714 retained).
Molecular consequence: synonymous variant.
Genome position (GRCh38, 1-based): chr12:65,240,924, A>G. VCF-style: chr12-65240924-A-G. GRCh37 (hg19) VCF-style: chr12-65634704-A-G.
Other names: c.2139A>G, p.Lys713= (NM_001167614.2).
Identifiers: ClinVar variation 3048628 (VCV003048628.4), dbSNP rs1334277767, ClinGen allele CA480666337.
Genomic context (GRCh38, chr12:65,240,924, plus strand): 5'-ACAAGCCAAGATGATAGTAAATTTGCCATTTTGTTCACATGATAGGAAAAAAATGAAGAA[A>G]GTCTGGGATAGAGCTGTTGACTTCCTTGCTGCTAATGAGTCTAGAGTTCGCACGGAAACA-3'
Protein context (NP_055134.2, residues 704-724): IQPHDRKKMK[Lys714=]VWDRAVDFLA